The following is an entry in ClinVar:

NM_001099271.2(POC5):c.985G>A (p.Ala329Thr)

Gene: POC5 (POC5 centriolar protein; minus strand). Cytogenetic location: 5q13.3.
Variant type: single nucleotide variant.
Coding change: c.985G>A on transcript NM_001099271.2 (MANE Select); coding-DNA position 985, G replaced by A.
Protein change: p.Ala329Thr; replaces alanine 329 with threonine.
Molecular consequence: missense variant.
Genome position (GRCh38, 1-based): chr5:75,689,156, C>T on the plus strand (G>A on the coding strand, the complement: POC5 is on the minus strand). VCF-style: chr5-75689156-C-T. GRCh37 (hg19) VCF-style: chr5-74984981-C-T.
Other names: c.910G>A, p.Ala304Thr (NM_152408.3); short protein forms A329T, A304T.
Identifiers: ClinVar variation 432516 (VCV000432516.2), dbSNP rs1173634890, ClinGen allele CA360146000.

ClinVar aggregate classification (germline): Uncertain significance (1 of 4 stars; one submission).

Allele frequency attached by ClinVar (database versions not stated): gnomAD exomes below 0.00001; gnomAD 0.00001; TOPMed 0.00001.
gnomAD v4.1: 4 of 1,539,150 alleles (0.00026%); highest among the groups gnomAD compares: African/African-American, 0.0041%; no homozygotes.

Submission:

GeneDx
Classification: Uncertain significance. Last evaluated: 2017-06-06. Review status: criteria provided, single submitter. Criteria: GeneDx Variant Classification (06012015). Collection method: clinical testing. Allele origin: germline. Affected: yes.
Comment: The A329T variant in the POC5 gene has not been reported previously as a pathogenic variant, nor as a benign variant, to our knowledge. The A329T variant is not observed in large population cohorts (Lek et al., 2016; 1000 Genomes Consortium et al., 2015; Exome Variant Server). The A329T variant is a non-conservative amino acid substitution, which is likely to impact secondary protein structure as these residues differ in polarity, charge, size and/or other properties. This substitution occurs at a position that is conserved in mammals. In silico analysis is inconsistent in its predictions as to whether or not the variant is damaging to the protein structure/function. We interpret A329T as a variant of uncertain significance.